The following is an entry in ClinVar:

ClinVar aggregate classification (germline): Uncertain significance (1 of 4 stars; one submission).

Submission:

Labcorp Genetics (formerly Invitae), Labcorp
Classification: Uncertain significance. Last evaluated: 2024-05-02. Review status: criteria provided, single submitter. Criteria: Invitae Variant Classification Sherloc (09022015). Collection method: clinical testing. Allele origin: germline.
Comment: This sequence change replaces leucine, which is neutral and non-polar, with valine, which is neutral and non-polar, at codon 1983 of the POLE protein (p.Leu1983Val). This variant is not present in population databases (gnomAD no frequency). This variant has not been reported in the literature in individuals affected with POLE-related conditions. ClinVar contains an entry for this variant (Variation ID: 1016956). Advanced modeling of protein sequence and biophysical properties (such as structural, functional, and spatial information, amino acid conservation, physicochemical variation, residue mobility, and thermodynamic stability) performed at Invitae indicates that this missense variant is not expected to disrupt POLE protein function with a negative predictive value of 80%. In summary, the available evidence is currently insufficient to determine the role of this variant in disease. Therefore, it has been classified as a Variant of Uncertain Significance.

NM_006231.4(POLE):c.5947T>G (p.Leu1983Val)

Gene: POLE (DNA polymerase epsilon, catalytic subunit; minus strand). Cytogenetic location: 12q24.33.
Variant type: single nucleotide variant.
Coding change: c.5947T>G on transcript NM_006231.4 (MANE Select); coding-DNA position 5947, T replaced by G.
Protein change: p.Leu1983Val; replaces leucine 1983 with valine.
Molecular consequence: missense variant.
Genome position (GRCh38, 1-based): chr12:132,634,243, A>C on the plus strand (T>G on the coding strand, the complement: POLE is on the minus strand). VCF-style: chr12-132634243-A-C. GRCh37 (hg19) VCF-style: chr12-133210829-A-C.
Other names: short protein forms L1983V.
Identifiers: ClinVar variation 1016956 (VCV001016956.8), dbSNP rs2041990271, ClinGen allele CA387371529.
Genomic context (GRCh38, chr12:132,634,243, plus strand): 5'-TACCTGAAACAATCATGAGGAAGTAGTTCTGGCAGGAGGCTGCCTGTGGCAAAAACTGCA[A>C]AATGTTCCAGTTGTTTTCCAGTAAATCCTCCACGTTGGATTCCTCCGCCTCTTCCTCCTC-3'
Protein context (NP_006222.2, residues 1973-1993): EDLLENNWNI[Leu1983Val]QFLPQAASCQ